The following is an entry in ClinVar:

ClinVar aggregate classification (germline): Uncertain significance (1 of 4 stars; one submission).

Conditions:
Menkes kinky-hair syndrome (MNK). Also called: Copper transport disease; Menkes Disease; Classic Menkes Disease. Identifiers: Orphanet 565, MedGen C0022716, MONDO:0010651, OMIM 309400.
Cutis laxa, X-linked (OHS). Also called: EDS IX; Occipital horn syndrome. Identifiers: Orphanet 198, MedGen C0268353, MONDO:0010572, OMIM 304150.
X-linked distal spinal muscular atrophy type 3. Also called: ATP7A-Related Distal Motor Neuropathy; SPINAL MUSCULAR ATROPHY, DISTAL, X-LINKED RECESSIVE; NEURONOPATHY, DISTAL HEREDITARY MOTOR, X-LINKED; NEUROPATHY, DISTAL HEREDITARY MOTOR, X-LINKED. Identifiers: Orphanet 139557, MedGen C1845359, MONDO:0010338, OMIM 300489.

Allele frequency attached by ClinVar (database versions not stated): gnomAD exomes below 0.00001.
gnomAD v4.1: 1 of 1,200,193 alleles (0.000083%); highest among the groups gnomAD compares: Non-Finnish European, 0.00011%; no homozygotes.

Submission:

Labcorp Genetics (formerly Invitae), Labcorp
Classification: Uncertain significance for X-linked distal spinal muscular atrophy type 3; Cutis laxa, X-linked; Menkes kinky-hair syndrome. Last evaluated: 2023-01-06. Review status: criteria provided, single submitter. Criteria: Invitae Variant Classification Sherloc (09022015). Collection method: clinical testing. Allele origin: germline.
Comment: In summary, the available evidence is currently insufficient to determine the role of this variant in disease. Therefore, it has been classified as a Variant of Uncertain Significance. Variants that disrupt the consensus splice site are a relatively common cause of aberrant splicing (PMID: 17576681, 9536098). Algorithms developed to predict the effect of sequence changes on RNA splicing suggest that this variant is not likely to affect RNA splicing. This variant has not been reported in the literature in individuals affected with ATP7A-related conditions. This variant is not present in population databases (gnomAD no frequency). This sequence change falls in intron 21 of the ATP7A gene. It does not directly change the encoded amino acid sequence of the ATP7A protein. It affects a nucleotide within the consensus splice site.

Literature cited by the submitters: PubMed 17576681; PubMed 9536098.

NM_000052.7(ATP7A):c.4124-3T>C

Gene: ATP7A (ATPase copper transporting alpha; plus strand). Cytogenetic location: Xq21.1.
Variant type: single nucleotide variant.
Coding change: c.4124-3T>C on transcript NM_000052.7 (MANE Select); 3 bases into the intron before coding-DNA position 4124, T replaced by C.
Molecular consequence: intron variant.
Genome position (GRCh38, 1-based): chrX:78,045,467, T>C. VCF-style: chrX-78045467-T-C. GRCh37 (hg19) VCF-style: chrX-77300964-T-C.
Other names: c.3890-3T>C (NM_001282224.2).
Identifiers: ClinVar variation 2942959 (VCV002942959.3), dbSNP rs2522425365, ClinGen allele CA2694153925.